The following is an entry in ClinVar:

ClinVar aggregate classification (germline): Pathogenic (1 of 4 stars; one submission).

Conditions:
Nance-Horan syndrome (NHS). Identifiers: Orphanet 627, MedGen C0796085, MONDO:0010545, OMIM 302350.

Submission:

Labcorp Genetics (formerly Invitae), Labcorp
Classification: Pathogenic for Nance-Horan syndrome. Last evaluated: 2024-08-13. Review status: criteria provided, single submitter. Criteria: Invitae Variant Classification Sherloc (09022015). Collection method: clinical testing. Allele origin: germline.
Comment: This sequence change creates a premature translational stop signal (p.Gln39Alafs*144) in the NHS gene. It is expected to result in an absent or disrupted protein product. Loss-of-function variants in NHS are known to be pathogenic (PMID: 14564667, 19414485). This variant is not present in population databases (gnomAD no frequency). This variant has not been reported in the literature in individuals affected with NHS-related conditions. For these reasons, this variant has been classified as Pathogenic.

Literature cited by the submitters: PubMed 14564667; PubMed 19414485.

NM_001291867.2(NHS):c.114dup (p.Gln39fs)

Gene: NHS (NHS actin remodeling regulator; plus strand). Cytogenetic location: Xp22.2.
Variant type: Duplication.
Coding change: c.114dup on transcript NM_001291867.2 (MANE Select); coding-DNA position 114, one base duplicated (G; older notation c.114dupG).
Protein change: p.Gln39fs; shifts the reading frame from glutamine 39.
Molecular consequence: frameshift variant.
Genome position (GRCh38, 1-based): chrX:17,375,871, G duplicated. VCF-style (leftmost placement, unchanged base first): chrX-17375870-T-TG. GRCh37 (hg19) VCF-style: chrX-17393993-T-TG.
Other names: c.114dup, p.Gln39fs (NM_198270.4); short protein forms Q39fs.
Identifiers: ClinVar variation 3646234 (VCV003646234.2).